The following is an entry in ClinVar:

NM_001267550.2(TTN):c.24799A>T (p.Ile8267Phe)

Gene: TTN (titin; minus strand). Cytogenetic location: 2q31.2.
Variant type: single nucleotide variant.
Coding change: c.24799A>T on transcript NM_001267550.2 (MANE Select); coding-DNA position 24799, A replaced by T.
Protein change: p.Ile8267Phe; replaces isoleucine 8267 with phenylalanine.
Molecular consequence: missense variant. On other transcripts: intron variant (3).
Genome position (GRCh38, 1-based): chr2:178,718,207, T>A on the plus strand (A>T on the coding strand, the complement: TTN is on the minus strand). VCF-style: chr2-178718207-T-A. GRCh37 (hg19) VCF-style: chr2-179582934-T-A.
Other names: c.23848A>T, p.Ile7950Phe (NM_001256850.1); c.21067A>T, p.Ile7023Phe (NM_133378.4); c.13282+19875A>T (NM_003319.4); c.13858+19875A>T (NM_133437.4); c.13657+19875A>T (NM_133432.3); short protein forms I7023F, I8267F, I7950F.
Identifiers: ClinVar variation 5009269 (VCV005009269.1).

ClinVar aggregate classification (germline): Uncertain significance (1 of 4 stars; one submission).

gnomAD v4.1: 11 of 1,600,826 alleles (0.00069%); highest among the groups gnomAD compares: African/African-American, 0.015%; no homozygotes.

Submission:

GeneDx
Classification: Uncertain significance. Last evaluated: 2026-03-17. Review status: criteria provided, single submitter. Criteria: GeneDx Variant Classification Process June 2021. Collection method: clinical testing. Allele origin: germline.
Comment: Not observed at significant frequency in large population cohorts (gnomAD); Missense variant in a gene in which most reported pathogenic variants are truncating/loss of function; Has not been previously published as pathogenic or benign to our knowledge